The following is an entry in ClinVar:

NM_002769.5(PRSS1):c.718A>G (p.Lys240Glu)

Genes: PRSS1 (serine protease 1; plus strand), TRB (T cell receptor beta locus; plus strand). Cytogenetic location: 7q34.
Variant type: single nucleotide variant.
Coding change: c.718A>G on transcript NM_002769.5 (MANE Select); coding-DNA position 718, A replaced by G.
Protein change: p.Lys240Glu; replaces lysine 240 with glutamic acid.
Molecular consequence: missense variant. On other transcripts: non-coding transcript variant (5).
Genome position (GRCh38, 1-based): chr7:142,752,994, A>G. VCF-style: chr7-142752994-A-G. GRCh37 (hg19) VCF-style: chr7-142460845-A-G.
Other names: short protein forms K240E.
Identifiers: ClinVar variation 1757573 (VCV001757573.3), dbSNP rs2485770032, ClinGen allele CA369611044.
Genomic context (GRCh38, chr7:142,752,994, plus strand): 5'-TGTGCCCAGAAGAACAAGCCTGGAGTCTACACCAAGGTCTACAACTATGTGAAATGGATT[A>G]AGAACACCATAGCTGCCAATAGCTAAAGCCCCCAGTATCTCTTCAGTCTCTATACCAATA-3'
Protein context (NP_002760.1, residues 230-247): TKVYNYVKWI[Lys240Glu]NTIAANS

ClinVar aggregate classification (germline): Uncertain significance (1 of 4 stars; one submission).

Conditions:
Hereditary pancreatitis (PCTT). Also called: Hereditary chronic pancreatitis; PRSS1-Related Hereditary Pancreatitis. Identifiers: Orphanet 676, MedGen C0238339, MONDO:0008185, OMIM 167800.

Allele frequency attached by ClinVar (database versions not stated): gnomAD exomes below 0.00001.
gnomAD v4.1: 1 of 1,613,724 alleles (0.000062%); highest among the groups gnomAD compares: Non-Finnish European, 0.000085%; no homozygotes.

Submission:

Ambry Genetics
Classification: Uncertain significance for Hereditary pancreatitis. Last evaluated: 2024-09-15. Review status: criteria provided, single submitter. Criteria: Ambry Variant Classification Scheme 2023. Collection method: clinical testing. Allele origin: germline.
Comment: The p.K240E variant (also known as c.718A>G), located in coding exon 5 of the PRSS1 gene, results from an A to G substitution at nucleotide position 718. The lysine at codon 240 is replaced by glutamic acid, an amino acid with similar properties. This amino acid position is conserved. In addition, this alteration is predicted to be tolerated by in silico analysis. Since supporting evidence is limited at this time, the clinical significance of this alteration remains unclear.